The following is an entry in ClinVar:

NM_004493.3(HSD17B10):c.143A>C (p.Glu48Ala)

Gene: HSD17B10 (hydroxysteroid 17-beta dehydrogenase 10; minus strand). Cytogenetic location: Xp11.22.
Variant type: single nucleotide variant.
Coding change: c.143A>C on transcript NM_004493.3 (MANE Select); coding-DNA position 143, A replaced by C.
Protein change: p.Glu48Ala; replaces glutamic acid 48 with alanine.
Molecular consequence: missense variant.
Genome position (GRCh38, 1-based): chrX:53,433,771, T>G on the plus strand (A>C on the coding strand, the complement: HSD17B10 is on the minus strand). VCF-style: chrX-53433771-T-G. GRCh37 (hg19) VCF-style: chrX-53460718-T-G.
Other names: c.143A>C, p.Glu48Ala (NM_001037811.2); short protein forms E48A.
Identifiers: ClinVar variation 2744815 (VCV002744815.3), dbSNP rs2521104874, ClinGen allele CA413154301.

ClinVar aggregate classification (germline): Uncertain significance (1 of 4 stars; one submission).

Submission:

Labcorp Genetics (formerly Invitae), Labcorp
Classification: Uncertain significance. Last evaluated: 2023-07-18. Review status: criteria provided, single submitter. Criteria: Invitae Variant Classification Sherloc (09022015). Collection method: clinical testing. Allele origin: germline.
Comment: This variant has not been reported in the literature in individuals affected with HSD17B10-related conditions. In summary, the available evidence is currently insufficient to determine the role of this variant in disease. Therefore, it has been classified as a Variant of Uncertain Significance. Advanced modeling of protein sequence and biophysical properties (such as structural, functional, and spatial information, amino acid conservation, physicochemical variation, residue mobility, and thermodynamic stability) performed at Invitae indicates that this missense variant is not expected to disrupt HSD17B10 protein function. This variant is not present in population databases (gnomAD no frequency). This sequence change replaces glutamic acid, which is acidic and polar, with alanine, which is neutral and non-polar, at codon 48 of the HSD17B10 protein (p.Glu48Ala).